The following is an entry in ClinVar:

NM_000572.3(IL10):c.62G>A (p.Gly21Asp)

Genes: IL10 (interleukin 10; minus strand), IL19 (interleukin 19; plus strand), LOC128462409 (CRISPRi-FlowFISH-validated IL10 regulatory element GRCh37_chr1:206945468-206946089; plus strand). Cytogenetic location: 1q32.1.
Variant type: single nucleotide variant.
Coding change: c.62G>A on transcript NM_000572.3 (MANE Select); coding-DNA position 62, G replaced by A.
Protein change: p.Gly21Asp; replaces glycine 21 with aspartic acid.
Molecular consequence: missense variant. On other transcripts: non-coding transcript variant (1), intron variant (2).
Genome position (GRCh38, 1-based): chr1:206,772,374, C>T on the plus strand (G>A on the coding strand, the complement: IL10 is on the minus strand). VCF-style: chr1-206772374-C-T. GRCh37 (hg19) VCF-style: chr1-206945719-C-T.
Other names: c.-149+1296C>T (NM_153758.5); c.-149+1544C>T (NM_001393490.1); short protein forms G21D.
Identifiers: ClinVar variation 2177646 (VCV002177646.3), dbSNP rs766916310, ClinGen allele CA36550837.
Genomic context (GRCh38, chr1:206,772,374, plus strand): 5'-AGCATGTTAGGCAGGTTGCCTGGGAAGTGGGTGCAGCTGTTCTCAGACTGGGTGCCCTGG[C>T]CTGGGCTGGCCCTCACCCCAGTCAGGAGGACCAGGCAACAGAGCAGTGCTGAGCTGTGCA-3'
Protein context (NP_000563.1, residues 11-31): VLLTGVRASP[Gly21Asp]QGTQSENSCT

ClinVar aggregate classification (germline): Uncertain significance (1 of 4 stars; one submission).

Conditions:
Inflammatory bowel disease. Identifiers: Orphanet 104012, MedGen C0021390, MONDO:0005265.

Allele frequency attached by ClinVar (database versions not stated): TOPMed 0.00001; gnomAD 0.00002; gnomAD exomes 0.00003.
gnomAD v4.1: 51 of 1,614,064 alleles (0.0032%); highest among the groups gnomAD compares: Non-Finnish European, 0.0041%; no homozygotes.

Submission:

Labcorp Genetics (formerly Invitae), Labcorp
Classification: Uncertain significance for Inflammatory bowel disease. Last evaluated: 2022-06-17. Review status: criteria provided, single submitter. Criteria: Invitae Variant Classification Sherloc (09022015). Collection method: clinical testing. Allele origin: germline.
Comment: This sequence change replaces glycine, which is neutral and non-polar, with aspartic acid, which is acidic and polar, at codon 21 of the IL10 protein (p.Gly21Asp). This variant is present in population databases (rs766916310, gnomAD 0.0009%). This variant has not been reported in the literature in individuals affected with IL10-related conditions. Algorithms developed to predict the effect of missense changes on protein structure and function output the following: SIFT: "Tolerated"; PolyPhen-2: "Benign"; Align-GVGD: "Class C0". The aspartic acid amino acid residue is found in multiple mammalian species, which suggests that this missense change does not adversely affect protein function. In summary, the available evidence is currently insufficient to determine the role of this variant in disease. Therefore, it has been classified as a Variant of Uncertain Significance.